The following is an entry in ClinVar:

NM_002291.3(LAMB1):c.2896C>A (p.Pro966Thr)

Gene: LAMB1 (laminin subunit beta 1; minus strand). Cytogenetic location: 7q31.1.
Variant type: single nucleotide variant.
Coding change: c.2896C>A on transcript NM_002291.3 (MANE Select); coding-DNA position 2896, C replaced by A.
Protein change: p.Pro966Thr; replaces proline 966 with threonine.
Molecular consequence: missense variant.
Genome position (GRCh38, 1-based): chr7:107,953,713, G>T on the plus strand (C>A on the coding strand, the complement: LAMB1 is on the minus strand). VCF-style: chr7-107953713-G-T. GRCh37 (hg19) VCF-style: chr7-107594158-G-T.
Other names: short protein forms P966T.
Identifiers: ClinVar variation 1310152 (VCV001310152.3), dbSNP rs748512722, ClinGen allele CA4435486.
Genomic context (GRCh38, chr7:107,953,713, plus strand): 5'-CTGTCGTGTCAATGTTGTTGTGACACTGGCAAGGCTGACACGACCCCCCAACTTCTGATG[G>T]ATTGCCAAAGTATCCTGAGGCACAGTCGTCACATCTGGAACCTGTCACCCGATAAAACCA-3'
Protein context (NP_002282.2, residues 956-976): DDCASGYFGN[Pro966Thr]SEVGGSCQPC

ClinVar aggregate classification (germline): Uncertain significance. Review status: criteria provided, multiple submitters, no conflicts (2 of 4 stars). 2 submissions from 2 submitters: Uncertain significance (2). Last evaluated 2025-06-07.

Conditions:
Inborn genetic diseases. Identifiers: MedGen C0950123, MeSH D030342.

Allele frequency attached by ClinVar (database versions not stated): ExAC 0.00001; gnomAD exomes below 0.00001; TOPMed 0.00001.
gnomAD v4.1: 2 of 1,614,152 alleles (0.00012%); highest among the groups gnomAD compares: East Asian, 0.0022%; no homozygotes.

Submissions (2):

Ambry Genetics
Classification: Uncertain significance for Inborn genetic diseases. Last evaluated: 2025-06-07. Review status: criteria provided, single submitter. Criteria: Ambry Variant Classification Scheme 2023. Collection method: clinical testing. Allele origin: germline.

GeneDx
Classification: Uncertain significance. Last evaluated: 2019-11-18. Review status: criteria provided, single submitter. Criteria: GeneDx Variant Classification Process June 2021. Collection method: clinical testing. Allele origin: germline. Affected: yes.
Comment: Not observed at a significant frequency in large population cohorts (Lek et al., 2016); In silico analysis, which includes protein predictors and evolutionary conservation, supports a deleterious effect; Has not been previously published as pathogenic or benign to our knowledge